The following is an entry in ClinVar:

NM_017636.4(TRPM4):c.2778+2T>C

Gene: TRPM4 (transient receptor potential cation channel subfamily M member 4; plus strand). Cytogenetic location: 19q13.33.
Variant type: single nucleotide variant.
Coding change: c.2778+2T>C on transcript NM_017636.4 (MANE Select); the canonical splice donor site of the intron after coding-DNA position 2778, T replaced by C.
Molecular consequence: splice donor variant.
Genome position (GRCh38, 1-based): chr19:49,200,434, T>C. VCF-style: chr19-49200434-T-C. GRCh37 (hg19) VCF-style: chr19-49703691-T-C.
Other names: c.2343+2T>C (NM_001195227.2); c.1170+2T>C (NM_001321282.2); c.2433+2T>C (NM_001321281.2); c.2256+2T>C (NM_001321283.2); c.1716+2T>C (NM_001321285.2).
Identifiers: ClinVar variation 1795867 (VCV001795867.2), dbSNP rs1456714344, ClinGen allele CA406811474.

ClinVar aggregate classification (germline): Uncertain significance (1 of 4 stars; one submission).

Conditions:
Cardiovascular phenotype. Identifiers: MedGen CN230736.

Allele frequency attached by ClinVar (database versions not stated): gnomAD exomes 0.00001.
gnomAD v4.1: 17 of 1,589,896 alleles (0.0011%); highest among the groups gnomAD compares: Non-Finnish European, 0.0015%; no homozygotes.

Submission:

Ambry Genetics
Classification: Uncertain significance for Cardiovascular phenotype. Last evaluated: 2021-10-13. Review status: criteria provided, single submitter. Criteria: Ambry Variant Classification Scheme 2023. Collection method: clinical testing. Allele origin: germline.
Comment: The c.2778+2T>C intronic variant results from a T to C substitution two nucleotides after coding exon 18 in the TRPM4 gene. This nucleotide position is conserved in available vertebrate species. In silico splice site analysis predicts that this alteration will weaken the native splice donor site and will result in the creation or strengthening of a novel splice donor site. Alterations that disrupt the canonical splice site are expected to cause aberrant splicing, resulting in an abnormal protein or a transcript that is subject to nonsense-mediated mRNA decay. However, loss of function of TRPM4 has not been clearly established as a mechanism of disease. Since supporting evidence is limited at this time, the clinical significance of this alteration remains unclear.